The following is an entry in ClinVar:

ClinVar aggregate classification (germline): Uncertain significance (1 of 4 stars; one submission).

gnomAD v4.1: 1 of 1,612,274 alleles (0.000062%); highest among the groups gnomAD compares: Non-Finnish European, 0.000085%; no homozygotes.

Submission:

Labcorp Genetics (formerly Invitae), Labcorp
Classification: Uncertain significance. Last evaluated: 2022-02-10. Review status: criteria provided, single submitter. Criteria: Invitae Variant Classification Sherloc (09022015). Collection method: clinical testing. Allele origin: germline.
Comment: This sequence change replaces glutamic acid, which is acidic and polar, with glutamine, which is neutral and polar, at codon 373 of the PNPT1 protein (p.Glu373Gln). This variant is not present in population databases (gnomAD no frequency). This variant has not been reported in the literature in individuals affected with PNPT1-related conditions. Algorithms developed to predict the effect of missense changes on protein structure and function (SIFT, PolyPhen-2, Align-GVGD) all suggest that this variant is likely to be tolerated. In summary, the available evidence is currently insufficient to determine the role of this variant in disease. Therefore, it has been classified as a Variant of Uncertain Significance.

NM_033109.5(PNPT1):c.1117G>C (p.Glu373Gln)

Gene: PNPT1 (polyribonucleotide nucleotidyltransferase 1; minus strand). Cytogenetic location: 2p16.1.
Variant type: single nucleotide variant.
Coding change: c.1117G>C on transcript NM_033109.5 (MANE Select); coding-DNA position 1117, G replaced by C.
Protein change: p.Glu373Gln; replaces glutamic acid 373 with glutamine.
Molecular consequence: missense variant.
Genome position (GRCh38, 1-based): chr2:55,667,050, C>G on the plus strand (G>C on the coding strand, the complement: PNPT1 is on the minus strand). VCF-style: chr2-55667050-C-G. GRCh37 (hg19) VCF-style: chr2-55894185-C-G.
Other names: short protein forms E373Q.
Identifiers: ClinVar variation 1478947 (VCV001478947.6), dbSNP rs2104106774, ClinGen allele CA346928687.